The following is an entry in ClinVar:

ClinVar aggregate classification (germline): Likely benign. Review status: criteria provided, multiple submitters, no conflicts (2 of 4 stars). 3 submissions from 3 submitters: Likely benign (3). Last evaluated 2025-12-29.

Conditions:
Familial adenomatous polyposis 1 (FAP1). Also called: FAMILIAL ADENOMATOUS POLYPOSIS 1, ATTENUATED; POLYPOSIS, ADENOMATOUS INTESTINAL. Identifiers: MedGen C2713442, MONDO:0021056, OMIM 175100. Disease mechanism: loss of function.

Submissions (3):

Center for Genomic Medicine, Rigshospitalet, Copenhagen University Hospital
Classification: Likely benign. Last evaluated: 2025-12-29. Review status: criteria provided, single submitter. Criteria: ACMG Guidelines, 2015. Collection method: clinical testing. Allele origin: germline.

Labcorp Genetics (formerly Invitae), Labcorp
Classification: Likely benign for Familial adenomatous polyposis 1. Last evaluated: 2024-07-17. Review status: criteria provided, single submitter. Criteria: Invitae Variant Classification Sherloc (09022015). Collection method: clinical testing. Allele origin: germline.

Myriad Genetics, Inc.
Classification: Likely benign for Familial adenomatous polyposis 1. Last evaluated: 2024-02-22. Review status: criteria provided, single submitter. Criteria: Myriad Autosomal Dominant, Autosomal Recessive and X-Linked Classification Criteria (2023). Collection method: clinical testing. Allele origin: unknown.
Comment: This variant is considered likely benign. This variant is intronic and is not expected to impact mRNA splicing.

NM_000038.6(APC):c.136-16G>T

Gene: APC (APC regulator of Wnt signaling pathway; plus strand). Cytogenetic location: 5q22.2.
Variant type: single nucleotide variant.
Coding change: c.136-16G>T on transcript NM_000038.6 (MANE Select); 16 bases into the intron before coding-DNA position 136, G replaced by T.
Molecular consequence: intron variant.
Genome position (GRCh38, 1-based): chr5:112,766,310, G>T. VCF-style: chr5-112766310-G-T. GRCh37 (hg19) VCF-style: chr5-112102007-G-T.
Other names: c.136-16G>T (NM_001354895.2, NM_001127510.3, NM_001354896.2 and 2 more transcripts); c.166-16G>T (NM_001354897.2, NM_001354902.2, NM_001127511.3); c.61-16G>T (NM_001354898.2, NM_001354904.2); c.-900-16G>T (NM_001354906.2); c.-42-16G>T (NM_001354900.2, NM_001354901.2, NM_001354905.2).
Identifiers: ClinVar variation 1606885 (VCV001606885.10), dbSNP rs1756310679, ClinGen allele CA1573494785.
Genomic context (GRCh38, chr5:112,766,310, plus strand): 5'-AAATGTCAAGAAATACAGAATCATGTCTTGAAGTTATTTAGAATTTCATGTTAATATATT[G>T]TGTTCTTTTTAACAGGAAGTACTTAAACAACTACAAGGAAGTATTGAAGATGAAGCTATG-3'